The following is an entry in ClinVar:

ClinVar aggregate classification (germline): Uncertain significance (1 of 4 stars; one submission).

Allele frequency attached by ClinVar (database versions not stated): gnomAD exomes below 0.00001; TOPMed below 0.00001.
gnomAD v4.1: 3 of 1,600,728 alleles (0.00019%); highest among the groups gnomAD compares: Non-Finnish European, 0.00026%; no homozygotes.

Submission:

Labcorp Genetics (formerly Invitae), Labcorp
Classification: Uncertain significance. Last evaluated: 2024-08-13. Review status: criteria provided, single submitter. Criteria: Invitae Variant Classification Sherloc (09022015). Collection method: clinical testing. Allele origin: germline.
Comment: This sequence change replaces tyrosine, which is neutral and polar, with cysteine, which is neutral and slightly polar, at codon 1111 of the VPS13A protein (p.Tyr1111Cys). This variant is not present in population databases (gnomAD no frequency). This variant has not been reported in the literature in individuals affected with VPS13A-related conditions. Advanced modeling of protein sequence and biophysical properties (such as structural, functional, and spatial information, amino acid conservation, physicochemical variation, residue mobility, and thermodynamic stability) performed at Invitae indicates that this missense variant is expected to disrupt VPS13A protein function with a positive predictive value of 80%. In summary, the available evidence is currently insufficient to determine the role of this variant in disease. Therefore, it has been classified as a Variant of Uncertain Significance.

NM_033305.3(VPS13A):c.3332A>G (p.Tyr1111Cys)

Gene: VPS13A (vacuolar protein sorting 13 homolog A; plus strand). Cytogenetic location: 9q21.2.
Variant type: single nucleotide variant.
Coding change: c.3332A>G on transcript NM_033305.3 (MANE Select); coding-DNA position 3332, A replaced by G.
Protein change: p.Tyr1111Cys; replaces tyrosine 1111 with cysteine.
Molecular consequence: missense variant.
Genome position (GRCh38, 1-based): chr9:77,283,643, A>G. VCF-style: chr9-77283643-A-G. GRCh37 (hg19) VCF-style: chr9-79898559-A-G.
Other names: c.3332A>G, p.Tyr1111Cys (NM_015186.4, NM_001018038.3); c.3215A>G, p.Tyr1072Cys (NM_001018037.2); short protein forms Y1072C, Y1111C.
Identifiers: ClinVar variation 2996271 (VCV002996271.3), dbSNP rs1416733218, ClinGen allele CA373847642.